The following is an entry in ClinVar:

NM_001005242.3(PKP2):c.485C>T (p.Thr162Met)

Gene: PKP2 (plakophilin 2; minus strand). Cytogenetic location: 12p11.21.
Variant type: single nucleotide variant.
Coding change: c.485C>T on transcript NM_001005242.3 (MANE Select); coding-DNA position 485, C replaced by T.
Protein change: p.Thr162Met; replaces threonine 162 with methionine.
Molecular consequence: missense variant.
Genome position (GRCh38, 1-based): chr12:32,878,395, G>A on the plus strand (C>T on the coding strand, the complement: PKP2 is on the minus strand). VCF-style: chr12-32878395-G-A. GRCh37 (hg19) VCF-style: chr12-33031329-G-A.
Other names: c.485C>T, p.Thr162Met (NM_004572.4); c.485C>T (NM_001005242.2); short protein forms T162M.
Identifiers: ClinVar variation 921886 (VCV000921886.18), dbSNP rs759687672, ClinGen allele CA037611.

ClinVar aggregate classification (germline): Uncertain significance. Review status: criteria provided, multiple submitters, no conflicts (2 of 4 stars). 6 submissions from 6 submitters: Uncertain significance (6). Last evaluated 2025-08-21.

Conditions:
Cardiovascular phenotype. Identifiers: MedGen CN230736.
Arrhythmogenic right ventricular cardiomyopathy (ARVD). Also called: Cardiomyopathy, ARVC; Arrhythmogenic right ventricular dysplasia; Arrhythmogenic cardiomyopathy; Arrhythmogenic Right Ventricular Cardiomyopathy (ARVC). Identifiers: Orphanet 247, MedGen C0349788, MeSH D019571, MONDO:0016587. Disease mechanism: loss of function. Inheritance: Various modes of inheritance.
Cardiomyopathy (CMYO). Also called: Cardiomyopathies. Identifiers: Orphanet 167848, MedGen C0878544, MONDO:0004994, HP:0001638. Inheritance: Various modes of inheritance.
Arrhythmogenic right ventricular dysplasia 9 (ARVD9). Also called: Arrhythmogenic Right Ventricular Dysplasia/Cardiomyopathy 9; ARRHYTHMOGENIC RIGHT VENTRICULAR DYSPLASIA, FAMILIAL, 9. Identifiers: MedGen C1836906, MONDO:0012180, OMIM 609040.

Allele frequency attached by ClinVar (database versions not stated): gnomAD 0.00001; TOPMed 0.00001; ExAC 0.00002; gnomAD exomes 0.00002.
gnomAD v4.1: 34 of 1,613,922 alleles (0.0021%); highest among the groups gnomAD compares: Non-Finnish European, 0.0023%; no homozygotes.

Submissions (6):

Labcorp Genetics (formerly Invitae), Labcorp
Classification: Uncertain significance for Arrhythmogenic right ventricular dysplasia 9. Last evaluated: 2025-08-21. Review status: criteria provided, single submitter. Criteria: Invitae Variant Classification Sherloc (09022015). Collection method: clinical testing. Allele origin: germline.
Comment: This sequence change replaces threonine, which is neutral and polar, with methionine, which is neutral and non-polar, at codon 162 of the PKP2 protein (p.Thr162Met). This variant is present in population databases (rs759687672, gnomAD 0.004%). This variant has not been reported in the literature in individuals affected with PKP2-related conditions. ClinVar contains an entry for this variant (Variation ID: 921886). An algorithm developed to predict the effect of missense changes on protein structure and function outputs the following: PolyPhen-2: "Benign". The methionine amino acid residue is found in multiple mammalian species, which suggests that this missense change does not adversely affect protein function. In summary, the available evidence is currently insufficient to determine the role of this variant in disease. Therefore, it has been classified as a Variant of Uncertain Significance.

Molecular Diagnostic Laboratory for Inherited Cardiovascular Disease, Montreal Heart Institute
Classification: Uncertain significance for Cardiovascular phenotype. Last evaluated: 2025-04-09. Review status: criteria provided, single submitter. Criteria: ACMG Guidelines, 2015. Collection method: clinical testing. Allele origin: germline. Affected: yes.

Ambry Genetics
Classification: Uncertain significance for Cardiovascular phenotype. Last evaluated: 2024-07-11. Review status: criteria provided, single submitter. Criteria: Ambry Variant Classification Scheme 2023. Collection method: clinical testing. Allele origin: germline.
Comment: The p.T162M variant (also known as c.485C>T), located in coding exon 3 of the PKP2 gene, results from a C to T substitution at nucleotide position 485. The threonine at codon 162 is replaced by methionine, an amino acid with similar properties. This alteration has been reported in a hypertrophic cardiomyopathy (HCM) cohort; however, clinical details were limited (Lopes LR et al. Heart, 2015 Feb;101:294-301). This amino acid position is poorly conserved in available vertebrate species. In addition, this alteration is predicted to be tolerated by in silico analysis. Based on available evidence to date, the clinical significance of this alteration remains unclear.

All of Us Research Program, National Institutes of Health
Classification: Uncertain significance for Arrhythmogenic right ventricular cardiomyopathy. Last evaluated: 2024-05-14. Review status: criteria provided, single submitter. Criteria: ACMG Guidelines, 2015. Collection method: clinical testing. Allele origin: germline. Inheritance: Autosomal dominant inheritance. Observed: 8 variant alleles, 8 heterozygotes.
Comment: This missense variant replaces threonine with methionine at codon 162 of the PKP2 protein. Computational prediction suggests that this variant may not impact protein structure and function (internally defined REVEL score threshold <= 0.5, PMID: 27666373). Splice site prediction tools suggest that this variant may not impact RNA splicing. To our knowledge, functional studies have not been performed for this variant. This variant has not been reported in individuals affected with cardiovascular disorders in the literature. This variant has been identified in 6/282772 chromosomes in the general population by the Genome Aggregation Database (gnomAD). The available evidence is insufficient to determine the role of this variant in disease conclusively. Therefore, this variant is classified as a Variant of Uncertain Significance.

This study involves interpretation of variants in research participants for the purpose of population health screening. Participant phenotype was not available at the time of variant classification. Additional details can be found in publication PMID: 35346344, PMCID: PMC8962531

Color Diagnostics, LLC DBA Color Health
Classification: Uncertain significance for Cardiomyopathy. Last evaluated: 2024-05-06. Review status: criteria provided, single submitter. Criteria: ACMG Guidelines, 2015. Collection method: clinical testing. Allele origin: germline.
Comment: This missense variant replaces threonine with methionine at codon 162 of the PKP2 protein. Computational prediction suggests that this variant may not impact protein structure and function (internally defined REVEL score threshold <= 0.5, PMID: 27666373). To our knowledge, functional studies have not been reported for this variant. This variant has not been reported in individuals affected with PKP2-related disorders in the literature. This variant has been identified in 6/282772 chromosomes in the general population by the Genome Aggregation Database (gnomAD). The available evidence is insufficient to determine the role of this variant in disease conclusively. Therefore, this variant is classified as a Variant of Uncertain Significance.

Blueprint Genetics
Classification: Uncertain significance. Last evaluated: 2023-04-11. Review status: criteria provided, single submitter. Criteria: ACMG Guidelines, 2015. Collection method: clinical testing. Allele origin: germline.

Literature cited by the submitters: PubMed 25351510 (cited by Ambry Genetics).